The following is an entry in ClinVar:

ClinVar aggregate classification (germline): Uncertain significance (1 of 4 stars; one submission).

Allele frequency attached by ClinVar (database versions not stated): TOPMed 0.00004; gnomAD exomes below 0.00001; gnomAD 0.00001.

Submission:

Labcorp Genetics (formerly Invitae), Labcorp
Classification: Uncertain significance. Last evaluated: 2023-06-18. Review status: criteria provided, single submitter. Criteria: Invitae Variant Classification Sherloc (09022015). Collection method: clinical testing. Allele origin: germline.
Comment: This variant has not been reported in the literature in individuals affected with GRIN2D-related conditions. Advanced modeling of protein sequence and biophysical properties (such as structural, functional, and spatial information, amino acid conservation, physicochemical variation, residue mobility, and thermodynamic stability) performed at Invitae indicates that this missense variant is not expected to disrupt GRIN2D protein function. In summary, the available evidence is currently insufficient to determine the role of this variant in disease. Therefore, it has been classified as a Variant of Uncertain Significance. This variant is not present in population databases (gnomAD no frequency). This sequence change replaces alanine, which is neutral and non-polar, with threonine, which is neutral and polar, at codon 899 of the GRIN2D protein (p.Ala899Thr).

NM_000836.4(GRIN2D):c.2695G>A (p.Ala899Thr)

Gene: GRIN2D (glutamate ionotropic receptor NMDA type subunit 2D; plus strand). Cytogenetic location: 19q13.33.
Variant type: single nucleotide variant.
Coding change: c.2695G>A on transcript NM_000836.4 (MANE Select); coding-DNA position 2695, G replaced by A.
Protein change: p.Ala899Thr; replaces alanine 899 with threonine.
Molecular consequence: missense variant.
Genome position (GRCh38, 1-based): chr19:48,442,621, G>A. VCF-style: chr19-48442621-G-A. GRCh37 (hg19) VCF-style: chr19-48945878-G-A.
Other names: short protein forms A899T.
Identifiers: ClinVar variation 2993035 (VCV002993035.3), dbSNP rs1350763485, ClinGen allele CA406671029.